The following is an entry in ClinVar:

NM_001292063.2(OTOG):c.3874C>T (p.His1292Tyr)

Gene: OTOG (otogelin; plus strand). Cytogenetic location: 11p15.1.
Variant type: single nucleotide variant.
Coding change: c.3874C>T on transcript NM_001292063.2 (MANE Select); coding-DNA position 3874, C replaced by T.
Protein change: p.His1292Tyr; replaces histidine 1292 with tyrosine.
Molecular consequence: missense variant.
Genome position (GRCh38, 1-based): chr11:17,602,374, C>T. VCF-style: chr11-17602374-C-T. GRCh37 (hg19) VCF-style: chr11-17623921-C-T.
Other names: c.3910C>T, p.His1304Tyr (NM_001277269.2); c.3910C>T (NM_001277269.1); short protein forms H1292Y, H1304Y.
Identifiers: ClinVar variation 2414920 (VCV002414920.8), dbSNP rs766355863, ClinGen allele CA5905782.
Genomic context (GRCh38, chr11:17,602,374, plus strand): 5'-GTGGCGCCAGCAGACATTGTGAGCTTCCTGCTGACAGCTGCTCTGTACAAGGCCAAGGCC[C>T]ATGGTAAGGCCCATCCCAGTCCCACTCCAGCTCTTCTGGGAGGCAGGAGGGTGCTAGAGG-3'
Protein context (NP_001278992.1, residues 1282-1302): LTAALYKAKA[His1292Tyr]DPDVVSLEAA

ClinVar aggregate classification (germline): Uncertain significance. Review status: criteria provided, multiple submitters, no conflicts (2 of 4 stars). 2 submissions from 2 submitters: Uncertain significance (2). Last evaluated 2022-12-01.

Allele frequency attached by ClinVar (database versions not stated): TOPMed 0.00002; gnomAD 0.00003; ExAC 0.00036.
gnomAD v4.1: 51 of 1,549,686 alleles (0.0033%); highest among the groups gnomAD compares: Middle Eastern, 0.017%; no homozygotes.

Submissions (2):

GeneDx
Classification: Uncertain significance. Last evaluated: 2022-12-01. Review status: criteria provided, single submitter. Criteria: GeneDx Variant Classification Process June 2021. Collection method: clinical testing. Allele origin: germline. Affected: yes.
Comment: In silico analysis supports that this missense variant does not alter protein structure/function; Has not been previously published as pathogenic or benign to our knowledge

Labcorp Genetics (formerly Invitae), Labcorp
Classification: Uncertain significance. Last evaluated: 2021-12-10. Review status: criteria provided, single submitter. Criteria: Invitae Variant Classification Sherloc (09022015). Collection method: clinical testing. Allele origin: germline.
Comment: In summary, the available evidence is currently insufficient to determine the role of this variant in disease. Therefore, it has been classified as a Variant of Uncertain Significance. Algorithms developed to predict the effect of missense changes on protein structure and function are either unavailable or do not agree on the potential impact of this missense change (SIFT: "Deleterious"; PolyPhen-2: "Benign"; Align-GVGD: "Class C15"). This variant has not been reported in the literature in individuals affected with OTOG-related conditions. This variant is present in population databases (rs766355863, gnomAD 0.02%). This sequence change replaces histidine, which is basic and polar, with tyrosine, which is neutral and polar, at codon 1304 of the OTOG protein (p.His1304Tyr).